The following is an entry in ClinVar:

ClinVar aggregate classification (germline): Conflicting classifications of pathogenicity. Review status: criteria provided, conflicting classifications (1 of 4 stars). 2 submissions from 2 submitters: Uncertain significance (1); Likely benign (1). Last evaluated 2024-03-06.

Conditions:
Hereditary cancer-predisposing syndrome. Also called: Neoplastic Syndromes, Hereditary; Tumor predisposition; Hereditary Cancer Syndrome; Hereditary neoplastic syndrome. Identifiers: Orphanet 140162, MedGen C0027672, MeSH D009386, MONDO:0015356.

Submissions (2):

Color Diagnostics, LLC DBA Color Health
Classification: Uncertain significance for Hereditary cancer-predisposing syndrome. Last evaluated: 2024-03-06. Review status: criteria provided, single submitter. Criteria: ACMG Guidelines, 2015. Collection method: clinical testing. Allele origin: germline.
Comment: This missense variant replaces aspartic acid with asparagine at codon 427 of the BRCA2 protein. Computational prediction tool suggests that this variant may not impact protein structure and function (internally defined REVEL score threshold <=0.5, PMID: 27666373). Splice site prediction tools suggest that this variant may not impact RNA splicing. To our knowledge, functional studies have not been performed for this variant. This variant has not been reported in individuals affected with hereditary cancer in the literature. This variant has not been identified in the general population by the Genome Aggregation Database (gnomAD). The available evidence is insufficient to determine the role of this variant in disease conclusively. Therefore, this variant is classified as a Variant of Uncertain Significance.

University of Washington Department of Laboratory Medicine, University of Washington
Classification: Likely benign for Hereditary cancer-predisposing syndrome. Last evaluated: 2023-03-23. Review status: criteria provided, single submitter. Criteria: Dines et al. (Genet Med. 2020). Collection method: curation. Allele origin: germline.
Comment: Missense variant in a coldspot region where missense variants are very unlikely to be pathogenic (PMID:31911673).

BRCA2 exon 10 coldspot. Reclassification based on statistical prior probability.

NM_000059.4(BRCA2):c.1279G>A (p.Asp427Asn)

Gene: BRCA2 (BRCA2 DNA repair associated; plus strand). Cytogenetic location: 13q13.1.
Variant type: single nucleotide variant.
Coding change: c.1279G>A on transcript NM_000059.4 (MANE Select); coding-DNA position 1279, G replaced by A.
Protein change: p.Asp427Asn; replaces aspartic acid 427 with asparagine.
Molecular consequence: missense variant.
Genome position (GRCh38, 1-based): chr13:32,332,757, G>A. VCF-style: chr13-32332757-G-A. GRCh37 (hg19) VCF-style: chr13-32906894-G-A.
Other names: short protein forms D427N.
Identifiers: ClinVar variation 922884 (VCV000922884.6), dbSNP rs147797288, ClinGen allele CA387762420.
Genomic context (GRCh38, chr13:32,332,757, plus strand): 5'-CAGATGGAGAAAATACCCCTATTGCATATTTCTTCATGTGACCAAAATATTTCAGAAAAA[G>A]ACCTATTAGACACAGAGAACAAAAGAAAGAAAGATTTTCTTACTTCAGAGAATTCTTTGC-3'
Protein context (NP_000050.3, residues 417-437): SSCDQNISEK[Asp427Asn]LLDTENKRKK